The following is an entry in ClinVar:

ClinVar aggregate classification (germline): Uncertain significance (1 of 4 stars; one submission).

Allele frequency attached by ClinVar (database versions not stated): gnomAD 0.00001; gnomAD exomes 0.00001; ExAC 0.00002.

Submission:

Labcorp Genetics (formerly Invitae), Labcorp
Classification: Uncertain significance. Last evaluated: 2023-02-08. Review status: criteria provided, single submitter. Criteria: Invitae Variant Classification Sherloc (09022015). Collection method: clinical testing. Allele origin: germline.
Comment: This sequence change replaces arginine, which is basic and polar, with histidine, which is basic and polar, at codon 735 of the SLCO5A1 protein (p.Arg735His). This variant is present in population databases (rs776611357, gnomAD 0.01%). This variant has not been reported in the literature in individuals affected with SLCO5A1-related conditions. Algorithms developed to predict the effect of missense changes on protein structure and function are either unavailable or do not agree on the potential impact of this missense change (SIFT: "Deleterious"; PolyPhen-2: "Probably Damaging"; Align-GVGD: "Class C0"). In summary, the available evidence is currently insufficient to determine the role of this variant in disease. Therefore, it has been classified as a Variant of Uncertain Significance.

NM_030958.3(SLCO5A1):c.2204G>A (p.Arg735His)

Gene: SLCO5A1 (solute carrier organic anion transporter family member 5A1; minus strand). Cytogenetic location: 8q13.3.
Variant type: single nucleotide variant.
Coding change: c.2204G>A on transcript NM_030958.3 (MANE Select); coding-DNA position 2204, G replaced by A.
Protein change: p.Arg735His; replaces arginine 735 with histidine.
Molecular consequence: missense variant. On other transcripts: 3 prime UTR variant (1).
Genome position (GRCh38, 1-based): chr8:69,673,212, C>T on the plus strand (G>A on the coding strand, the complement: SLCO5A1 is on the minus strand). VCF-style: chr8-69673212-C-T. GRCh37 (hg19) VCF-style: chr8-70585447-C-T.
Other names: c.*75G>A (NM_001146008.2); c.2039G>A, p.Arg680His (NM_001146009.1); short protein forms R735H, R680H.
Identifiers: ClinVar variation 2751351 (VCV002751351.3), dbSNP rs776611357, ClinGen allele CA4776386.
Genomic context (GRCh38, chr8:69,673,212, plus strand): 5'-AGAAAAATAAAAATAAACCCAACGAATTTGAGGCCGGCAGCCAAACCAAAATACACAAAA[C>T]GAAACGACGTCACGTTGTACTCCCAGCAAGAACCCTGCACACCACATTCCTGTTGCCAGA-3'
Protein context (NP_112220.2, residues 725-745): SCWEYNVTSF[Arg735His]FVYFGLAAGL